The following is an entry in ClinVar:

NM_002439.5(MSH3):c.1787C>G (p.Ala596Gly)

Gene: MSH3 (mutS homolog 3; plus strand). Cytogenetic location: 5q14.1.
Variant type: single nucleotide variant.
Coding change: c.1787C>G on transcript NM_002439.5 (MANE Select); coding-DNA position 1787, C replaced by G.
Protein change: p.Ala596Gly; replaces alanine 596 with glycine.
Molecular consequence: missense variant.
Genome position (GRCh38, 1-based): chr5:80,761,569, C>G. VCF-style: chr5-80761569-C-G. GRCh37 (hg19) VCF-style: chr5-80057388-C-G.
Other names: short protein forms A596G.
Identifiers: ClinVar variation 2586053 (VCV002586053.5), dbSNP rs148162799, ClinGen allele CA360276515.
Genomic context (GRCh38, chr5:80,761,569, plus strand): 5'-AACATATCTGATTATTGCTATTACTCTTTTCTCACAGGGAAATAAATGCCCGGCTTGATG[C>G]TGTATCGGAAGTTCTCCATTCAGAATCTAGTGTGTTTGGTCAGATAGAAAATCATCTACG-3'
Protein context (NP_002430.3, residues 586-606): KLREINARLD[Ala596Gly]VSEVLHSESS

ClinVar aggregate classification (germline): Uncertain significance. Review status: criteria provided, multiple submitters, no conflicts (2 of 4 stars). 2 submissions from 2 submitters: Uncertain significance (2). Last evaluated 2025-12-03.

Conditions:
Hereditary cancer-predisposing syndrome. Also called: Hereditary neoplastic syndrome; Tumor predisposition; Hereditary Cancer Syndrome; Neoplastic Syndromes, Hereditary. Identifiers: Orphanet 140162, MedGen C0027672, MeSH D009386, MONDO:0015356.

Allele frequency attached by ClinVar (database versions not stated): gnomAD exomes 0.00001.
gnomAD v4.1: 3 of 1,614,006 alleles (0.00019%); highest among the groups gnomAD compares: Non-Finnish European, 0.00025%; no homozygotes.

Submissions (2):

Labcorp Genetics (formerly Invitae), Labcorp
Classification: Uncertain significance. Last evaluated: 2025-12-03. Review status: criteria provided, single submitter. Criteria: Invitae Variant Classification Sherloc (09022015). Collection method: clinical testing. Allele origin: germline.
Comment: This sequence change replaces alanine, which is neutral and non-polar, with glycine, which is neutral and non-polar, at codon 596 of the MSH3 protein (p.Ala596Gly). This variant is present in population databases (no rsID available, gnomAD 0.002%). This variant has not been reported in the literature in individuals affected with MSH3-related conditions. ClinVar contains an entry for this variant (Variation ID: 2586053). An algorithm developed to predict the effect of missense changes on protein structure and function (PolyPhen-2) suggests that this variant is likely to be disruptive. In summary, the available evidence is currently insufficient to determine the role of this variant in disease. Therefore, it has been classified as a Variant of Uncertain Significance.

Ambry Genetics
Classification: Uncertain significance for Hereditary cancer-predisposing syndrome. Last evaluated: 2023-06-17. Review status: criteria provided, single submitter. Criteria: Ambry Variant Classification Scheme 2023. Collection method: clinical testing. Allele origin: germline.
Comment: The p.A596G variant (also known as c.1787C>G), located in coding exon 13 of the MSH3 gene, results from a C to G substitution at nucleotide position 1787. The alanine at codon 596 is replaced by glycine, an amino acid with similar properties. This amino acid position is conserved. In addition, this alteration is predicted to be deleterious by in silico analysis. Since supporting evidence is limited at this time, the clinical significance of this alteration remains unclear.